The following is an entry in ClinVar:

NM_015386.3(COG4):c.1710+14T>C

Gene: COG4 (component of oligomeric golgi complex 4; minus strand). Cytogenetic location: 16q22.1.
Variant type: single nucleotide variant.
Coding change: c.1710+14T>C on transcript NM_015386.3 (MANE Select); 14 bases into the intron after coding-DNA position 1710, T replaced by C.
Molecular consequence: intron variant.
Genome position (GRCh38, 1-based): chr16:70,490,316, A>G on the plus strand (T>C on the coding strand, the complement: COG4 is on the minus strand). VCF-style: chr16-70490316-A-G. GRCh37 (hg19) VCF-style: chr16-70524219-A-G.
Other names: c.1635+5950T>C (NM_001195139.2); c.1284+14T>C (NM_001365426.1).
Identifiers: ClinVar variation 389636 (VCV000389636.1), dbSNP rs373254748, ClinGen allele CA8144237.

ClinVar aggregate classification (germline): Likely benign (1 of 4 stars; one submission).

Allele frequency attached by ClinVar (database versions not stated): TOPMed 0.00003; gnomAD 0.00004 and 0.00005; ExAC 0.00007; ESP Exome Variant Server 0.00008; gnomAD exomes 0.00009.
gnomAD v4.1: 127 of 1,610,022 alleles (0.0079%); highest among the groups gnomAD compares: Non-Finnish European, 0.01%; no homozygotes.

Submission:

GeneDx
Classification: Likely benign. Last evaluated: 2016-10-11. Review status: criteria provided, single submitter. Criteria: GeneDx Variant Classification (06012015). Collection method: clinical testing. Allele origin: germline. Affected: yes.
Comment: This variant is considered likely benign or benign based on one or more of the following criteria: it is a conservative change, it occurs at a poorly conserved position in the protein, it is predicted to be benign by multiple in silico algorithms, and/or has population frequency not consistent with disease.